The following is an entry in ClinVar:

NM_000540.3(RYR1):c.4927G>A (p.Glu1643Lys)

Gene: RYR1 (ryanodine receptor 1; plus strand). Cytogenetic location: 19q13.2.
Variant type: single nucleotide variant.
Coding change: c.4927G>A on transcript NM_000540.3 (MANE Select); coding-DNA position 4927, G replaced by A.
Protein change: p.Glu1643Lys; replaces glutamic acid 1643 with lysine.
Molecular consequence: missense variant.
Genome position (GRCh38, 1-based): chr19:38,483,509, G>A. VCF-style: chr19-38483509-G-A. GRCh37 (hg19) VCF-style: chr19-38974149-G-A.
Other names: c.4927G>A, p.Glu1643Lys (NM_001042723.2); short protein forms E1643K.
Identifiers: ClinVar variation 590547 (VCV000590547.12), dbSNP rs1197255639, ClinGen allele CA405651062.

ClinVar aggregate classification (germline): Uncertain significance. Review status: criteria provided, multiple submitters, no conflicts (2 of 4 stars). 5 submissions from 5 submitters: Uncertain significance (5). Last evaluated 2026-08-14.

Conditions:
RYR1-related disorder. Also called: RYR1-related condition; RYR1-related disorders. Identifiers: MedGen CN239331.
Malignant hyperthermia, susceptibility to, 1 (MHS1). Also called: Malignant hyperthermia suceptibility 1; Anesthesia related hyperthermia; Malignant hyperpyrexia; Fulminating hyperpyrexia; Pharmacogenic myopathy; RYR1-Related Malignant Hyperthermia Susceptibility. Identifiers: Orphanet 423, MedGen C2930980, MONDO:0007783, OMIM 145600.

Allele frequency attached by ClinVar (database versions not stated): gnomAD exomes below 0.00001 and 0.00001.
gnomAD v4.1: 1 of 1,548,460 alleles (0.000065%); highest among the groups gnomAD compares: Admixed American, 0.0019%; no homozygotes.

Submissions (5):

PreventionGenetics, part of Exact Sciences
Classification: Uncertain significance for RYR1-related condition. Last evaluated: 2026-08-14. Review status: criteria provided, single submitter. Criteria: ACMG Guidelines, 2015. Collection method: clinical testing. Allele origin: germline.
Comment: The RYR1 c.4927G>A variant is predicted to result in the amino acid substitution p.Glu1643Lys. This variant has been reported in an individual with a suspected RYR1-related disorder; however, additional evidence for pathogenicity was not provided (Supp. Table 2, Kushnir et al. 2020. PubMed ID: 32236737). At PreventionGenetics, we have observed the [c.4927G>A; c.11198G>A] allele in trans with a second RYR1 variant in two siblings with features of RYR1-related myopathy (internal data). This variant is reported in 0.0040% of alleles in individuals of Latino descent in gnomAD. At this time, the clinical significance of this variant is uncertain due to the absence of conclusive functional and genetic evidence.

Women's Health and Genetics/Laboratory Corporation of America, LabCorp
Classification: Uncertain significance. Last evaluated: 2025-10-15. Review status: criteria provided, single submitter. Criteria: LabCorp Variant Classification Summary - May 2015. Collection method: clinical testing. Allele origin: germline.
Comment: Variant summary: RYR1 c.4927G>A (p.Glu1643Lys) results in a conservative amino acid change in the encoded protein sequence. Algorithms developed to predict the effect of missense changes on protein structure and function are either unavailable or do not agree on the potential impact of this missense change. The variant allele was found at a frequency of 6.5e-06 in 152688 control chromosomes. The available data on variant occurrences in the general population are insufficient to allow any conclusion about variant significance. To our knowledge, no occurrence of c.4927G>A in individuals affected with RYR1-related conditions and no experimental evidence demonstrating its impact on protein function have been reported. ClinVar contains an entry for this variant (Variation ID: 590547). Based on the evidence outlined above, the variant was classified as uncertain significance.

All of Us Research Program, National Institutes of Health
Classification: Uncertain significance for Malignant hyperthermia, susceptibility to, 1. Last evaluated: 2024-09-23. Review status: criteria provided, single submitter. Criteria: ACMG Guidelines, 2015. Collection method: clinical testing. Allele origin: germline. Inheritance: Autosomal dominant inheritance. Observed: 1 variant allele, 1 heterozygote.
Comment: This study involves interpretation of variants in research participants for the purpose of population health screening. Participant phenotype was not available at the time of variant classification. Additional details can be found in publication PMID: 35346344, PMCID: PMC8962531

GeneDx
Classification: Uncertain significance. Last evaluated: 2023-03-17. Review status: criteria provided, single submitter. Criteria: GeneDx Variant Classification Process June 2021. Collection method: clinical testing. Allele origin: germline. Affected: yes.
Comment: Not observed at significant frequency in large population cohorts (gnomAD); In silico analysis supports that this missense variant has a deleterious effect on protein structure/function; Has not been previously published as pathogenic or benign to our knowledge

Labcorp Genetics (formerly Invitae), Labcorp
Classification: Uncertain significance for RYR1-related disorder. Last evaluated: 2021-09-01. Review status: criteria provided, single submitter. Criteria: Invitae Variant Classification Sherloc (09022015). Collection method: clinical testing. Allele origin: germline.
Comment: This sequence change replaces glutamic acid with lysine at codon 1643 of the RYR1 protein (p.Glu1643Lys). The glutamic acid residue is highly conserved and there is a small physicochemical difference between glutamic acid and lysine. This variant is not present in population databases (ExAC no frequency). This variant has not been reported in the literature in individuals affected with RYR1-related conditions. ClinVar contains an entry for this variant (Variation ID: 590547). Algorithms developed to predict the effect of missense changes on protein structure and function are either unavailable or do not agree on the potential impact of this missense change (SIFT: "Deleterious"; PolyPhen-2: "Probably Damaging"; Align-GVGD: "Class C0"). In summary, the available evidence is currently insufficient to determine the role of this variant in disease. Therefore, it has been classified as a Variant of Uncertain Significance.